The following is an entry in ClinVar:

ClinVar aggregate classification (germline): Conflicting classifications of pathogenicity. Review status: criteria provided, conflicting classifications (1 of 4 stars). 8 submissions from 8 submitters: Uncertain significance (3); Benign (1); Likely benign (4). Last evaluated 2026-03-21.

Conditions:
COL6A3-related disorder. Also called: COL6A3-related condition; COL6A3-related disorders.
Collagen 6-related myopathy. Identifiers: MedGen CN117976, MONDO:0100225.
Bethlem myopathy 1A. Also called: MYOPATHY, BENIGN CONGENITAL, WITH CONTRACTURES; Bethlem myopathy 1; Bethlem Muscular Dystrophy. Identifiers: Orphanet 610, MedGen CN029274, MONDO:0024530, OMIM 158810.

Allele frequency attached by ClinVar (database versions not stated): TOPMed 0.00031; gnomAD 0.00039 and 0.00041; ExAC 0.00040; gnomAD exomes 0.00041; ESP Exome Variant Server 0.00054.
gnomAD v4.1: 674 of 1,613,758 alleles (0.042%); highest among the groups gnomAD compares: Non-Finnish European, 0.051%; 1 homozygote.

Submissions (8):

PreventionGenetics, part of Exact Sciences
Classification: Uncertain significance for COL6A3-related condition. Last evaluated: 2026-03-21. Review status: criteria provided, single submitter. Criteria: ACMG Guidelines, 2015. Collection method: clinical testing. Allele origin: germline.
Comment: The COL6A3 c.4103C>T variant is predicted to result in the amino acid substitution p.Thr1368Met. This variant was reported in an individual with limb-girdle muscular dystrophy (Fichna et al. 2018. PubMed ID: 29970176). This variant is reported in 0.077% of alleles in individuals of European (Non-Finnish) descent in gnomAD. Although we suspect that this variant may be benign, at this time, the clinical significance of this variant is uncertain due to the absence of conclusive functional and genetic evidence.

Labcorp Genetics (formerly Invitae), Labcorp
Classification: Likely benign for Bethlem myopathy 1A. Last evaluated: 2026-01-26. Review status: criteria provided, single submitter. Criteria: Invitae Variant Classification Sherloc (09022015). Collection method: clinical testing. Allele origin: germline.

CeGaT Center for Human Genetics Tuebingen
Classification: Likely benign. Last evaluated: 2025-12-01. Review status: criteria provided, single submitter. Criteria: CeGaT Center For Human Genetics Tuebingen Variant Classification Criteria Version 2. Collection method: clinical testing. Allele origin: germline. Affected: yes. Observed: 8 variant alleles.
Comment: COL6A3: BS2

Women's Health and Genetics/Laboratory Corporation of America, LabCorp
Classification: Uncertain significance. Last evaluated: 2025-07-15. Review status: criteria provided, single submitter. Criteria: LabCorp Variant Classification Summary - May 2015. Collection method: clinical testing. Allele origin: germline.
Comment: Variant summary: COL6A3 c.4103C>T (p.Thr1368Met) results in a non-conservative amino acid change in the encoded protein sequence. Algorithms developed to predict the effect of missense changes on protein structure and function are either unavailable or do not agree on the potential impact of this missense change. The variant allele was found at a frequency of 0.00041 in 251298 control chromosomes in the gnomAD database, including 1 homozygotes. This frequency is not significantly higher than estimated for a pathogenic variant in COL6A3 causing Ullrich congenital muscular dystrophy 1-AR (0.00041 vs 0.0035), allowing no conclusion about variant significance. c.4103C>T has been observed in individual(s) affected with Muscular dystrophy, limb-girdle (example: Fichna_2018). These report(s) do not provide unequivocal conclusions about association of the variant with Ullrich congenital muscular dystrophy 1-AR. The following publication has been ascertained in the context of this evaluation (PMID: 29970176). ClinVar contains an entry for this variant (Variation ID: 199089). Based on the evidence outlined above, the variant was classified as uncertain significance.

Revvity Omics, Revvity
Classification: Likely benign. Last evaluated: 2023-09-15. Review status: criteria provided, single submitter. Criteria: ACMG Guidelines, 2015. Collection method: clinical testing. Allele origin: germline.

GeneDx
Classification: Likely benign. Last evaluated: 2019-01-21. Review status: criteria provided, single submitter. Criteria: GeneDx Variant Classification Process June 2021. Collection method: clinical testing. Allele origin: germline. Affected: yes.
Comment: This variant is associated with the following publications: (PMID: 26004199, 29970176)

Illumina Laboratory Services, Illumina
Classification: Benign for Collagen VI-related myopathy. Last evaluated: 2018-01-13. Review status: criteria provided, single submitter. Criteria: ICSL Variant Classification Criteria 13 December 2019. Collection method: clinical testing. Allele origin: germline.
Comment: This variant was observed in the ICSL laboratory as part of a predisposition screen in an ostensibly healthy population. It had not been previously curated by ICSL or reported in the Human Gene Mutation Database (HGMD: prior to June 1st, 2018), and was therefore a candidate for classification through an automated scoring system. Utilizing variant allele frequency, disease prevalence and penetrance estimates, and inheritance mode, an automated score was calculated to assess if this variant is too frequent to cause the disease. Based on the score and internal cut-off values, a variant classified as benign is not then subjected to further curation. The score for this variant resulted in a classification of benign for this disease.

Eurofins Ntd Llc (ga)
Classification: Uncertain significance. Last evaluated: 2017-10-02. Review status: criteria provided, single submitter. Criteria: EGL Classification Definitions 2015. Collection method: clinical testing. Allele origin: germline. Observed: 6 variant alleles, 5 heterozygotes, 1 homozygote.

Literature cited by the submitters: PubMed 29970176 (cited by Women's Health and Genetics/Laboratory Corporation of America, LabCorp).

NM_004369.4(COL6A3):c.4103C>T (p.Thr1368Met)

Gene: COL6A3 (collagen type VI alpha 3 chain; minus strand). Cytogenetic location: 2q37.3.
Variant type: single nucleotide variant.
Coding change: c.4103C>T on transcript NM_004369.4 (MANE Select); coding-DNA position 4103, C replaced by T.
Protein change: p.Thr1368Met; replaces threonine 1368 with methionine.
Molecular consequence: missense variant.
Genome position (GRCh38, 1-based): chr2:237,371,914, G>A on the plus strand (C>T on the coding strand, the complement: COL6A3 is on the minus strand). VCF-style: chr2-237371914-G-A. GRCh37 (hg19) VCF-style: chr2-238280557-G-A.
Other names: c.2882C>T, p.Thr961Met (NM_057164.5); c.3485C>T, p.Thr1162Met (NM_057165.5, NM_057167.4); c.2282C>T, p.Thr761Met (NM_057166.5); short protein forms T1368M, T1162M, T761M, T961M.
Identifiers: ClinVar variation 199089 (VCV000199089.94), dbSNP rs116505603, ClinGen allele CA248090.
Genomic context (GRCh38, chr2:237,371,914, plus strand): 5'-ACATATTCGGGGCTCAGCGAGATCTTCACCAGCTCCTCCTGGTCTGCGTTCCTGGCGATC[G>A]TGAAAGGGGCCACGCCAAACTGCTTGAGCTCCACCGCCGGGTCGTCCACCTCATCGTCAG-3'
Protein context (NP_004360.2, residues 1358-1378): ELKQFGVAPF[Thr1368Met]IARNADQEEL